The following is an entry in ClinVar:

NM_001267550.2(TTN):c.81747del (p.Asn27249fs)

Genes: TTN (titin; minus strand), TTN-AS1 (TTN antisense RNA 1; plus strand). Cytogenetic location: 2q31.2.
Variant type: Deletion.
Coding change: c.81747del on transcript NM_001267550.2 (MANE Select); coding-DNA position 81747, one base deleted (T; older notation c.81747delT).
Protein change: p.Asn27249fs; shifts the reading frame from asparagine 27249.
Molecular consequence: frameshift variant.
Genome position (GRCh38, 1-based): chr2:178,564,385, A deleted on the plus strand (T on the coding strand, the reverse complement: TTN is on the minus strand). VCF-style (leftmost placement, unchanged base first): chr2-178564384-CA-C. GRCh37 (hg19) VCF-style: chr2-179429111-CA-C.
Other names: c.76824del, p.Asn25608fs (NM_001256850.1); c.54552del, p.Asn18184fs (NM_003319.4); c.74043del, p.Asn24681fs (NM_133378.4); c.54927del, p.Asn18309fs (NM_133432.3); c.55128del, p.Asn18376fs (NM_133437.4); c.54552delT (NM_003319.4); short protein forms N18184fs, N18309fs, N18376fs, N24681fs, N25608fs, N27249fs.
Identifiers: ClinVar variation 3223307 (VCV003223307.1), dbSNP rs2468204757, ClinGen allele CA2825001019.
Genomic context (GRCh38, chr2:178,564,384, plus strand): 5'-TTTCATCTCTTGCAGTAATGGCACCACTACTATCAGATGGTTCACTAAAGTTTCCAGCTG[CA>C]TTTCTTGCAATTACTCTAAATTCATATCTTTGGTCTTCTACAAGTCCACTCACTGTAAAT-3'

ClinVar aggregate classification (germline): Likely pathogenic (1 of 4 stars; one submission).

Conditions:
Cardiovascular phenotype. Identifiers: MedGen CN230736.

Submission:

Ambry Genetics
Classification: Likely pathogenic for Cardiovascular phenotype. Last evaluated: 2023-12-22. Review status: criteria provided, single submitter. Criteria: Ambry Variant Classification Scheme 2023. Collection method: clinical testing. Allele origin: germline.
Comment: The c.54552delT variant, located in coding exon 153 of the TTN gene, results from a deletion of one nucleotide at nucleotide position 54552, causing a translational frameshift with a predicted alternate stop codon (p.N18184Kfs*101). This exon is located in the A-band region of the N2-B isoform of the titin protein and is constitutively expressed in TTN transcripts (percent spliced in or PSI 100%). This alteration is expected to result in loss of function by premature protein truncation or nonsense-mediated mRNA decay. While truncating variants in TTN are present in 1-3% of the general population, truncating variants in the A-band are the most common cause of dilated cardiomyopathy (DCM) (Herman DS et al. N. Engl. J. Med., 2012 Feb;366:619-28; Roberts AM et al. Sci Transl Med, 2015 Jan;7:270ra6). TTN truncating variants encoded in constitutive exons (PSI >90%) have been found to be significantly associated with DCM regardless of their position in titin (Schafer S et al. Nat. Genet., 2017 01;49:46-53). This variant is considered to be rare based on population cohorts in the Genome Aggregation Database (gnomAD). Based on the majority of available evidence to date, this variant is likely to be pathogenic.